The following is an entry in ClinVar:

NM_198578.4(LRRK2):c.6761C>G (p.Ser2254Cys)

Gene: LRRK2 (leucine rich repeat kinase 2; plus strand). Cytogenetic location: 12q12.
Variant type: single nucleotide variant.
Coding change: c.6761C>G on transcript NM_198578.4 (MANE Select); coding-DNA position 6761, C replaced by G.
Protein change: p.Ser2254Cys; replaces serine 2254 with cysteine.
Molecular consequence: missense variant.
Genome position (GRCh38, 1-based): chr12:40,354,483, C>G. VCF-style: chr12-40354483-C-G. GRCh37 (hg19) VCF-style: chr12-40748285-C-G.
Other names: short protein forms S2254C.
Identifiers: ClinVar variation 2447252 (VCV002447252.2), dbSNP rs2137006732, ClinGen allele CA384409647.

ClinVar aggregate classification (germline): Uncertain significance (1 of 4 stars; one submission).

Conditions:
Inborn genetic diseases. Identifiers: MedGen C0950123, MeSH D030342.

Submission:

Ambry Genetics
Classification: Uncertain significance for Inborn genetic diseases. Last evaluated: 2023-02-17. Review status: criteria provided, single submitter. Criteria: Ambry Variant Classification Scheme 2023. Collection method: clinical testing. Allele origin: germline.
Comment: The p.S2254C variant (also known as c.6761C>G), located in coding exon 45 of the LRRK2 gene, results from a C to G substitution at nucleotide position 6761. The serine at codon 2254 is replaced by cysteine, an amino acid with dissimilar properties. This amino acid position is conserved. In addition, this alteration is predicted to be tolerated by in silico analysis. Since supporting evidence is limited at this time, the clinical significance of this alteration remains unclear.